The following is an entry in ClinVar:

ClinVar aggregate classification (germline): Conflicting classifications of pathogenicity. Review status: criteria provided, conflicting classifications (1 of 4 stars). 2 submissions from 2 submitters: Likely pathogenic (1); Uncertain significance (1). Last evaluated 2025-01-09.

Conditions:
Autosomal recessive nonsyndromic hearing loss 12. Also called: DEAFNESS, AUTOSOMAL RECESSIVE 12. Identifiers: Orphanet 90636, MedGen C1832394, MONDO:0011067, OMIM 601386.
Pituitary adenoma 5, multiple types. Identifiers: MedGen C4539685, MONDO:0054601, OMIM 617540.
Usher syndrome type 1D (USH1D). Also called: USHER SYNDROME, TYPE ID. Identifiers: Orphanet 231169, Orphanet 886, MedGen C1832845, MONDO:0010984, OMIM 601067.

Submissions (2):

Institute of Rare Diseases, West China Hospital, Sichuan University
Classification: Likely pathogenic for Autosomal recessive nonsyndromic hearing loss 12. Last evaluated: 2025-01-09. Review status: criteria provided, single submitter. Criteria: ClinGen HL ACMG Specifications v1. Collection method: research. Allele origin: germline. Affected: yes.
Comment: PM3_Strong;PP1;PM2_Supporting

Juno Genomics, Hangzhou Juno Genomics, Inc
Classification: Uncertain significance for Pituitary adenoma 5, multiple types; Autosomal recessive nonsyndromic hearing loss 12; Usher syndrome type 1D. Review status: criteria provided, single submitter. Criteria: ACMG Guidelines, 2015. Collection method: clinical testing. Allele origin: germline. Affected: yes.
Comment: Absent from controls (or at extremely low frequency if recessive) in Genome Aggregation Database.;For recessive disorders, detected in trans with a pathogenic variant.

NM_022124.6(CDH23):c.6504T>A (p.Asn2168Lys)

Gene: CDH23 (cadherin related 23; plus strand). Cytogenetic location: 10q22.1.
Variant type: single nucleotide variant.
Coding change: c.6504T>A on transcript NM_022124.6 (MANE Select); coding-DNA position 6504, T replaced by A.
Protein change: p.Asn2168Lys; replaces asparagine 2168 with lysine.
Molecular consequence: missense variant.
Genome position (GRCh38, 1-based): chr10:71,793,432, T>A. VCF-style: chr10-71793432-T-A. GRCh37 (hg19) VCF-style: chr10-73553189-T-A.
Other names: short protein forms N2168K.
Identifiers: ClinVar variation 3601512 (VCV003601512.2).